The following is an entry in ClinVar:

ClinVar aggregate classification (germline): Likely benign. Review status: criteria provided, single submitter (1 of 4 stars). 2 submissions from 2 submitters: Likely benign (1). 1 of the submissions does not count toward it. Last evaluated 2024-03-25.

Conditions:
PCNT-related disorder. Also called: PCNT-related condition.

Allele frequency attached by ClinVar (database versions not stated): gnomAD exomes below 0.00001; 1000 Genomes Project 30x 0.00016; 1000 Genomes Project 0.00020; TOPMed 0.00001; gnomAD 0.00002.
gnomAD v4.1: 5 of 1,614,058 alleles (0.00031%); highest among the groups gnomAD compares: East Asian, 0.0045%; no homozygotes.

Submissions (2):

Labcorp Genetics (formerly Invitae), Labcorp
Classification: Likely benign. Last evaluated: 2024-03-25. Review status: criteria provided, single submitter. Criteria: Invitae Variant Classification Sherloc (09022015). Collection method: clinical testing. Allele origin: germline.

PreventionGenetics, part of Exact Sciences
Classification: Likely benign for PCNT-related condition. Last evaluated: 2019-04-24. Review status: no assertion criteria provided. Collection method: clinical testing. Allele origin: germline. Not counted in ClinVar's aggregate classification.
Comment: This variant is classified as likely benign based on ACMG/AMP sequence variant interpretation guidelines (Richards et al. 2015 PMID: 25741868, with internal and published modifications).

NM_006031.6(PCNT):c.8412G>A (p.Leu2804=)

Gene: PCNT (pericentrin; plus strand). Cytogenetic location: 21q22.3.
Variant type: single nucleotide variant.
Coding change: c.8412G>A on transcript NM_006031.6 (MANE Select); coding-DNA position 8412, G replaced by A.
Protein change: p.Leu2804=; no amino-acid change (leucine 2804 retained).
Molecular consequence: synonymous variant.
Genome position (GRCh38, 1-based): chr21:46,431,876, G>A. VCF-style: chr21-46431876-G-A. GRCh37 (hg19) VCF-style: chr21-47851790-G-A.
Other names: c.8058G>A, p.Leu2686= (NM_001315529.2); c.8412G>A (NM_006031.5).
Identifiers: ClinVar variation 1537310 (VCV001537310.9), dbSNP rs529137460, ClinGen allele CA322016832.
Genomic context (GRCh38, chr21:46,431,876, plus strand): 5'-ACAGGCCCATCACGCTCTGCTGCAGAAGCTGAAGGAGGAGAAGTCCCGGGTGGTGGACTT[G>A]CAAGCGATGCTTGAAAAGGTGCAGCAGCAAGCCCTGCATTCTCAGCAGCAGCTTGAGGCT-3'
Protein context (NP_006022.3, residues 2794-2814): LKEEKSRVVD[Leu2804=]QAMLEKVQQQ